The following is an entry in ClinVar:

NM_032273.4(TMEM126A):c.-8+20G>C

Genes: TMEM126A (transmembrane protein 126A; plus strand), LOC130006551 (ATAC-STARR-seq lymphoblastoid active region 5367; plus strand). Cytogenetic location: 11q14.1.
Variant type: single nucleotide variant.
Coding change: c.-8+20G>C on transcript NM_032273.4 (MANE Select); 20 bases into the intron after 8 bases upstream of the start codon, G replaced by C.
Molecular consequence: intron variant.
Genome position (GRCh38, 1-based): chr11:85,648,109, G>C. VCF-style: chr11-85648109-G-C. GRCh37 (hg19) VCF-style: chr11-85359153-G-C.
Other names: c.-125+20G>C (NM_001244735.2).
Identifiers: ClinVar variation 513170 (VCV000513170.1), dbSNP rs867595739, ClinGen allele CA225297632.

ClinVar aggregate classification (germline): Likely benign (1 of 4 stars; one submission).

Submission:

GeneDx
Classification: Likely benign. Last evaluated: 2017-12-01. Review status: criteria provided, single submitter. Criteria: GeneDx Variant Classification (06012015). Collection method: clinical testing. Allele origin: germline. Affected: yes.
Comment: This variant is considered likely benign or benign based on one or more of the following criteria: it is a conservative change, it occurs at a poorly conserved position in the protein, it is predicted to be benign by multiple in silico algorithms, and/or has population frequency not consistent with disease.